The following is an entry in ClinVar:

ClinVar aggregate classification (germline): Uncertain significance (1 of 4 stars; one submission).

Conditions:
Congenital myasthenic syndrome 10. Also called: Myasthenia, limb-girdle, familial. Identifiers: Orphanet 590, MedGen C1850792, MONDO:0009690, OMIM 254300.
Fetal akinesia deformation sequence 1 (FADS1). Also called: Pena-Shokeir syndrome type I; Fetal akinesia sequence. Identifiers: Orphanet 994, MedGen C1276035, MONDO:0100101, OMIM 208150, HP:0001989.

gnomAD v4.1: 12 of 1,606,158 alleles (0.00075%); highest among the groups gnomAD compares: East Asian, 0.0022%; no homozygotes.

Submission:

Labcorp Genetics (formerly Invitae), Labcorp
Classification: Uncertain significance for Congenital myasthenic syndrome 10; Fetal akinesia deformation sequence 1. Last evaluated: 2021-10-26. Review status: criteria provided, single submitter. Criteria: Invitae Variant Classification Sherloc (09022015). Collection method: clinical testing. Allele origin: germline.
Comment: This sequence change replaces alanine with serine at codon 440 of the DOK7 protein (p.Ala440Ser). The alanine residue is weakly conserved and there is a moderate physicochemical difference between alanine and serine. This variant is not present in population databases (ExAC no frequency). This variant has not been reported in the literature in individuals affected with DOK7-related conditions. Algorithms developed to predict the effect of missense changes on protein structure and function (SIFT, PolyPhen-2, Align-GVGD) all suggest that this variant is likely to be tolerated. In summary, the available evidence is currently insufficient to determine the role of this variant in disease. Therefore, it has been classified as a Variant of Uncertain Significance.

NM_173660.5(DOK7):c.1318G>T (p.Ala440Ser)

Gene: DOK7 (docking protein 7; plus strand). Cytogenetic location: 4p16.3.
Variant type: single nucleotide variant.
Coding change: c.1318G>T on transcript NM_173660.5 (MANE Select); coding-DNA position 1318, G replaced by T.
Protein change: p.Ala440Ser; replaces alanine 440 with serine.
Molecular consequence: missense variant. On other transcripts: 3 prime UTR variant (1).
Genome position (GRCh38, 1-based): chr4:3,493,304, G>T. VCF-style: chr4-3493304-G-T. GRCh37 (hg19) VCF-style: chr4-3495031-G-T.
Other names: c.*539G>T (NM_001164673.2); c.388G>T, p.Ala130Ser (NM_001256896.2); c.1318G>T, p.Ala440Ser (NM_001301071.2); c.886G>T, p.Ala296Ser (NM_001363811.2); short protein forms A296S, A440S, A130S.
Identifiers: ClinVar variation 1353504 (VCV001353504.5), dbSNP rs753026831, ClinGen allele CA356117756.